The following is an entry in ClinVar:

ClinVar aggregate classification (germline): Uncertain significance. Review status: criteria provided, multiple submitters, no conflicts (2 of 4 stars). 3 submissions from 3 submitters: Uncertain significance (2). 1 of the submissions does not count toward it. Last evaluated 2024-10-29.

Conditions:
COL9A1-related disorder. Also called: COL9A1-related condition; COL9A1-related disorders.
Inborn genetic diseases. Identifiers: MedGen C0950123, MeSH D030342.

Allele frequency attached by ClinVar (database versions not stated): ExAC 0.00003; gnomAD 0.00003; TOPMed 0.00004; ESP Exome Variant Server 0.00008.

Submissions (3):

Ambry Genetics
Classification: Uncertain significance for Inborn genetic diseases. Last evaluated: 2024-10-29. Review status: criteria provided, single submitter. Criteria: Ambry Variant Classification Scheme 2023. Collection method: clinical testing. Allele origin: germline.

Labcorp Genetics (formerly Invitae), Labcorp
Classification: Uncertain significance. Last evaluated: 2022-08-23. Review status: criteria provided, single submitter. Criteria: Invitae Variant Classification Sherloc (09022015). Collection method: clinical testing. Allele origin: germline.
Comment: This sequence change replaces methionine, which is neutral and non-polar, with leucine, which is neutral and non-polar, at codon 119 of the COL9A1 protein (p.Met119Leu). This variant is present in population databases (rs375617304, gnomAD 0.006%). This variant has not been reported in the literature in individuals affected with COL9A1-related conditions. Advanced modeling of protein sequence and biophysical properties (such as structural, functional, and spatial information, amino acid conservation, physicochemical variation, residue mobility, and thermodynamic stability) performed at Invitae indicates that this missense variant is not expected to disrupt COL9A1 protein function. In summary, the available evidence is currently insufficient to determine the role of this variant in disease. Therefore, it has been classified as a Variant of Uncertain Significance.

PreventionGenetics, part of Exact Sciences
Classification: Uncertain significance for COL9A1-related condition. Last evaluated: 2024-09-10. Review status: no assertion criteria provided. Collection method: clinical testing. Allele origin: germline. Not counted in ClinVar's aggregate classification.
Comment: The COL9A1 c.355A>T variant is predicted to result in the amino acid substitution p.Met119Leu. To our knowledge, this variant has not been reported in the literature. This variant is reported in 0.0058% of alleles in individuals of Latino descent in gnomAD. At this time, the clinical significance of this variant is uncertain due to the absence of conclusive functional and genetic evidence.

NM_001851.6(COL9A1):c.355A>T (p.Met119Leu)

Gene: COL9A1 (collagen type IX alpha 1 chain; minus strand). Cytogenetic location: 6q13.
Variant type: single nucleotide variant.
Coding change: c.355A>T on transcript NM_001851.6 (MANE Select); coding-DNA position 355, A replaced by T.
Protein change: p.Met119Leu; replaces methionine 119 with leucine.
Molecular consequence: missense variant.
Genome position (GRCh38, 1-based): chr6:70,294,508, T>A on the plus strand (A>T on the coding strand, the complement: COL9A1 is on the minus strand). VCF-style: chr6-70294508-T-A. GRCh37 (hg19) VCF-style: chr6-71004211-T-A.
Other names: c.355A>T, p.Met119Leu (NM_001377291.1); c.355A>T (NM_001851.4); short protein forms M119L.
Identifiers: ClinVar variation 2054494 (VCV002054494.3), dbSNP rs375617304, ClinGen allele CA3882831.